The following is an entry in ClinVar:

NM_014915.3(ANKRD26):c.1186G>A (p.Val396Met)

Gene: ANKRD26 (ankyrin repeat domain containing 26; minus strand). Cytogenetic location: 10p12.1.
Variant type: single nucleotide variant.
Coding change: c.1186G>A on transcript NM_014915.3 (MANE Select); coding-DNA position 1186, G replaced by A.
Protein change: p.Val396Met; replaces valine 396 with methionine.
Molecular consequence: missense variant.
Genome position (GRCh38, 1-based): chr10:27,067,178, C>T on the plus strand (G>A on the coding strand, the complement: ANKRD26 is on the minus strand). VCF-style: chr10-27067178-C-T. GRCh37 (hg19) VCF-style: chr10-27356107-C-T.
Other names: c.1186G>A, p.Val396Met (NM_001256053.2); short protein forms V396M.
Identifiers: ClinVar variation 4104293 (VCV004104293.1).
Genomic context (GRCh38, chr10:27,067,178, plus strand): 5'-TAAGGATAGAAAAATATTCAGAGATATCCACTAACTTACCACTTCTATTATTTTTGTGCA[C>T]TTCATCAACATAAGTCAAATTGTCATTATTTGTTTGCTCTAGTGGAGCACTTTCAATAAT-3'
Protein context (NP_055730.2, residues 386-406): NNDNLTYVDE[Val396Met]HKNNRSDMMS

ClinVar aggregate classification (germline): Uncertain significance (1 of 4 stars; one submission).

Conditions:
Inborn genetic diseases. Identifiers: MedGen C0950123, MeSH D030342.

gnomAD v4.1: 1 of 1,613,600 alleles (0.000062%); highest among the groups gnomAD compares: South Asian, 0.0011%; no homozygotes.

Submission:

Ambry Genetics
Classification: Uncertain significance for Inborn genetic diseases. Last evaluated: 2025-08-19. Review status: criteria provided, single submitter. Criteria: Ambry Variant Classification Scheme 2023. Collection method: clinical testing. Allele origin: germline.
Comment: The p.V396M variant (also known as c.1186G>A), located in coding exon 10 of the ANKRD26 gene, results from a G to A substitution at nucleotide position 1186. The valine at codon 396 is replaced by methionine, an amino acid with highly similar properties. This amino acid position is conserved. In addition, this alteration is predicted to be tolerated by in silico analysis. Based on the available evidence, the clinical significance of this variant remains unclear.